The following is an entry in ClinVar:

NM_015681.6(B9D1):c.421C>T (p.Arg141Trp)

Gene: B9D1 (B9 domain containing 1; minus strand). Cytogenetic location: 17p11.2.
Variant type: single nucleotide variant.
Coding change: c.421C>T on transcript NM_015681.6 (MANE Select); coding-DNA position 421, C replaced by T.
Protein change: p.Arg141Trp; replaces arginine 141 with tryptophan.
Molecular consequence: missense variant. On other transcripts: intron variant (1).
Genome position (GRCh38, 1-based): chr17:19,343,841, G>A on the plus strand (C>T on the coding strand, the complement: B9D1 is on the minus strand). VCF-style: chr17-19343841-G-A. GRCh37 (hg19) VCF-style: chr17-19247154-G-A.
Other names: c.421C>T, p.Arg141Trp (NM_001321214.2, NM_001321215.3, NM_001321217.2 and 2 more transcripts); c.61C>T, p.Arg21Trp (NM_001368769.2); c.404+3428C>T (NM_001321219.2); c.421C>T (NM_015681.4); short protein forms R21W, R141W.
Identifiers: ClinVar variation 1478154 (VCV001478154.6), dbSNP rs752121172, ClinGen allele CA8440167.

ClinVar aggregate classification (germline): Uncertain significance. Review status: criteria provided, multiple submitters, no conflicts (2 of 4 stars). 2 submissions from 2 submitters: Uncertain significance (2). Last evaluated 2026-08-12.

Conditions:
Joubert syndrome. Also called: Familial aplasia of the vermis; JOUBERT-BOLTSHAUSER SYNDROME. Identifiers: Orphanet 475, MedGen C5979921, MONDO:0018772.
Meckel-Gruber syndrome. Also called: Dysencephalia splachnocystica; DYSENCEPHALIA SPLANCHNOCYSTICA; GRUBER SYNDROME. Identifiers: Orphanet 564, MedGen C0265215, MONDO:0018921.
B9D1-related disorder. Also called: B9D1-related condition; B9D1-related disorders.

Allele frequency attached by ClinVar (database versions not stated): ExAC 0.00002; gnomAD exomes 0.00002; gnomAD 0.00003; TOPMed 0.00003.

Submissions (2):

PreventionGenetics, part of Exact Sciences
Classification: Uncertain significance for B9D1-related condition. Last evaluated: 2026-08-12. Review status: criteria provided, single submitter. Criteria: ACMG Guidelines, 2015. Collection method: clinical testing. Allele origin: germline.
Comment: The B9D1 c.421C>T variant is predicted to result in the amino acid substitution p.Arg141Trp. To our knowledge, this variant has not been reported in the literature. This variant is reported in 0.0085% of alleles in individuals of Latino descent in gnomAD. At this time, the clinical significance of this variant is uncertain due to the absence of conclusive functional and genetic evidence.

Labcorp Genetics (formerly Invitae), Labcorp
Classification: Uncertain significance for Joubert syndrome; Meckel-Gruber syndrome. Last evaluated: 2021-09-01. Review status: criteria provided, single submitter. Criteria: Invitae Variant Classification Sherloc (09022015). Collection method: clinical testing. Allele origin: germline.
Comment: This sequence change replaces arginine with tryptophan at codon 141 of the B9D1 protein (p.Arg141Trp). The arginine residue is moderately conserved and there is a moderate physicochemical difference between arginine and tryptophan. This variant is present in population databases (rs752121172, ExAC 0.01%). This variant has not been reported in the literature in individuals affected with B9D1-related conditions. Algorithms developed to predict the effect of missense changes on protein structure and function are either unavailable or do not agree on the potential impact of this missense change (SIFT: "Deleterious"; PolyPhen-2: "Possibly Damaging"; Align-GVGD: "Class C0"). In summary, the available evidence is currently insufficient to determine the role of this variant in disease. Therefore, it has been classified as a Variant of Uncertain Significance.